The following is an entry in ClinVar:

NM_001142864.4(PIEZO1):c.6757G>C (p.Ala2253Pro)

Gene: PIEZO1 (piezo type mechanosensitive ion channel component 1 (Er blood group); minus strand). Cytogenetic location: 16q24.3.
Variant type: single nucleotide variant.
Coding change: c.6757G>C on transcript NM_001142864.4 (MANE Select); coding-DNA position 6757, G replaced by C.
Protein change: p.Ala2253Pro; replaces alanine 2253 with proline.
Molecular consequence: missense variant.
Genome position (GRCh38, 1-based): chr16:88,716,728, C>G on the plus strand (G>C on the coding strand, the complement: PIEZO1 is on the minus strand). VCF-style: chr16-88716728-C-G. GRCh37 (hg19) VCF-style: chr16-88783136-C-G.
Other names: short protein forms A2253P.
Identifiers: ClinVar variation 4990540 (VCV004990540.1).

ClinVar aggregate classification (germline): Uncertain significance (1 of 4 stars; one submission).

Conditions:
PIEZO1-related disorder. Also called: PIEZO1-related condition; PIEZO1-Related Disorders.

Submission:

PreventionGenetics, part of Exact Sciences
Classification: Uncertain significance for PIEZO1-related condition. Last evaluated: 2025-10-13. Review status: criteria provided, single submitter. Criteria: ACMG Guidelines, 2015. Collection method: clinical testing. Allele origin: germline.
Comment: The PIEZO1 c.6757G>C variant is predicted to result in the amino acid substitution p.Ala2253Pro. To our knowledge, this variant has not been reported in the literature or in a large population database (gnomAD), indicating this variant is rare. At this time, the clinical significance of this variant is uncertain due to the absence of conclusive functional and genetic evidence.